The following is an entry in ClinVar:

ClinVar aggregate classification (germline): Uncertain significance. Review status: criteria provided, multiple submitters, no conflicts (2 of 4 stars). 3 submissions from 3 submitters: Uncertain significance (2). 1 of the submissions does not count toward it. Last evaluated 2026-06-01.

Conditions:
Brain atrophy. Identifiers: MedGen C4551584, HP:0012444.
Global developmental delay (DD). Also called: Cognitive delay. Identifiers: MedGen C0557874, HP:0001263. Disease mechanism: loss of function.

Allele frequency attached by ClinVar (database versions not stated): ExAC 0.00005; gnomAD 0.00007 and 0.00008; TOPMed 0.00008; ESP Exome Variant Server 0.00015.
gnomAD v4.1: 274 of 1,614,040 alleles (0.017%); highest among the groups gnomAD compares: Non-Finnish European, 0.023%; no homozygotes.

Submissions (3):

CeGaT Center for Human Genetics Tuebingen
Classification: Uncertain significance. Last evaluated: 2026-06-01. Review status: criteria provided, single submitter. Criteria: CeGaT Center For Human Genetics Tuebingen Variant Classification Criteria Version 2. Collection method: clinical testing. Allele origin: germline. Affected: yes. Observed: 3 variant alleles.
Comment: PTPN23: PM2, PM3:Supporting

Labcorp Genetics (formerly Invitae), Labcorp
Classification: Uncertain significance. Last evaluated: 2022-08-16. Review status: criteria provided, single submitter. Criteria: Invitae Variant Classification Sherloc (09022015). Collection method: clinical testing. Allele origin: germline.
Comment: This sequence change replaces lysine, which is basic and polar, with arginine, which is basic and polar, at codon 583 of the PTPN23 protein (p.Lys583Arg). This variant is present in population databases (rs147293860, gnomAD 0.02%). This missense change has been observed in individual(s) with neurodevelopmental delay and structural brain abnormalities (PMID: 31395947). ClinVar contains an entry for this variant (Variation ID: 636323). Algorithms developed to predict the effect of missense changes on protein structure and function are either unavailable or do not agree on the potential impact of this missense change (SIFT: "Tolerated"; PolyPhen-2: "Not Available"; Align-GVGD: "Class C0"). In summary, the available evidence is currently insufficient to determine the role of this variant in disease. Therefore, it has been classified as a Variant of Uncertain Significance.

Regeneron Genetics Center, Regeneron
Classification: Likely pathogenic for Global developmental delay; Brain atrophy. Last evaluated: 2019-02-15. Review status: no assertion criteria provided. Collection method: research. Allele origin: germline. Affected: yes. Not counted in ClinVar's aggregate classification.
Comment: Identified in cohort of patients with neurodevelopmental disorder accompanied by structural brain abnormalities

Literature cited by the submitters: PubMed 31395947 (cited by Labcorp Genetics (formerly Invitae), Labcorp).

NM_015466.4(PTPN23):c.1748A>G (p.Lys583Arg)

Gene: PTPN23 (protein tyrosine phosphatase non-receptor type 23; plus strand). Cytogenetic location: 3p21.31.
Variant type: single nucleotide variant.
Coding change: c.1748A>G on transcript NM_015466.4 (MANE Select); coding-DNA position 1748, A replaced by G.
Protein change: p.Lys583Arg; replaces lysine 583 with arginine.
Molecular consequence: missense variant.
Genome position (GRCh38, 1-based): chr3:47,409,268, A>G. VCF-style: chr3-47409268-A-G. GRCh37 (hg19) VCF-style: chr3-47450758-A-G.
Other names: c.1370A>G, p.Lys457Arg (NM_001304482.2); short protein forms K583R, K457R.
Identifiers: ClinVar variation 636323 (VCV000636323.37), dbSNP rs147293860, ClinGen allele CA2365813.